The following is an entry in ClinVar:

ClinVar aggregate classification (germline): Uncertain significance (1 of 4 stars; one submission).

Allele frequency attached by ClinVar (database versions not stated): gnomAD exomes below 0.00001 and 0.00001; TOPMed below 0.00001; ExAC 0.00001; gnomAD 0.00001; ESP Exome Variant Server 0.00009.

Submission:

Labcorp Genetics (formerly Invitae), Labcorp
Classification: Uncertain significance. Last evaluated: 2021-08-28. Review status: criteria provided, single submitter. Criteria: Invitae Variant Classification Sherloc (09022015). Collection method: clinical testing. Allele origin: germline.
Comment: In summary, the available evidence is currently insufficient to determine the role of this variant in disease. Therefore, it has been classified as a Variant of Uncertain Significance. Experimental studies and prediction algorithms are not available or were not evaluated, and the functional significance of this variant is currently unknown. This variant has not been reported in the literature in individuals affected with OBSL1-related conditions. This variant is present in population databases (rs766672074, ExAC 0.002%). This sequence change creates a premature translational stop signal (p.Asp1852Glyfs*2) in the OBSL1 gene. While this is not anticipated to result in nonsense mediated decay, it is expected to disrupt the last 45 amino acid(s) of the OBSL1 protein.

NM_015311.3(OBSL1):c.5554dup (p.Asp1852fs)

Gene: OBSL1 (obscurin like cytoskeletal adaptor 1; minus strand). Cytogenetic location: 2q35.
Variant type: Duplication.
Coding change: c.5554dup on transcript NM_015311.3 (MANE Select); coding-DNA position 5554, one base duplicated (G; older notation c.5554dupG).
Protein change: p.Asp1852fs; shifts the reading frame from aspartic acid 1852.
Molecular consequence: frameshift variant.
Genome position (GRCh38, 1-based): chr2:219,551,658, C duplicated on the plus strand (G on the coding strand, the reverse complement: OBSL1 is on the minus strand). VCF-style (leftmost placement, unchanged base first): chr2-219551657-T-TC. GRCh37 (hg19) VCF-style: chr2-220416379-T-TC.
Other names: short protein forms D1852fs.
Identifiers: ClinVar variation 1398832 (VCV001398832.4), dbSNP rs766672074, ClinGen allele CA2130190.